The following is an entry in ClinVar:

NM_033026.6(PCLO):c.3300+7_3300+8insTTTA

Gene: PCLO (piccolo presynaptic cytomatrix protein; minus strand). Cytogenetic location: 7q21.11.
Variant type: Insertion.
Coding change: c.3300+7_3300+8insTTTA on transcript NM_033026.6 (MANE Select); bases 7 to 8 of the intron after coding-DNA position 3300, TTTA inserted.
Molecular consequence: intron variant.
Genome position: GRCh38 VCF-style: chr7-83134242-T-TATAA. GRCh37 (hg19) VCF-style: chr7-82763558-T-TATAA.
Other names: c.3300+7_3300+8insTTTA (NM_014510.3); c.3300+7_3300+8insTTAT (NM_033026.5).
Identifiers: ClinVar variation 1573884 (VCV001573884.9), dbSNP rs746054139, ClinGen allele CA161171415.
Genomic context (GRCh38, chr7:83,134,242, plus strand): 5'-GTTTCAAAATAAACCCACAGACTCACCTCCATATGTAATATATATATATATATATATATA[T>TATAA]AACTTACCTCAGTCAAATGTGGTGTAGGGTTAAATCCACAGAGATTACACACTTGATTCT-3'

ClinVar aggregate classification (germline): Likely benign. Review status: criteria provided, multiple submitters, no conflicts (2 of 4 stars). 2 submissions from 2 submitters: Likely benign (2). Last evaluated 2026-02-03.

Conditions:
PCLO-related disorder. Also called: PCLO-related condition.

Submissions (2):

Labcorp Genetics (formerly Invitae), Labcorp
Classification: Likely benign. Last evaluated: 2026-02-03. Review status: criteria provided, single submitter. Criteria: Invitae Variant Classification Sherloc (09022015). Collection method: clinical testing. Allele origin: germline.

PreventionGenetics, part of Exact Sciences
Classification: Likely benign for PCLO-related condition. Last evaluated: 2023-08-27. Review status: criteria provided, single submitter. Criteria: ACMG Guidelines, 2015. Collection method: clinical testing. Allele origin: germline.
Comment: This variant is classified as likely benign based on ACMG/AMP sequence variant interpretation guidelines (Richards et al. 2015 PMID: 25741868, with internal and published modifications).